The following is an entry in ClinVar:

NM_001374353.1(GLI2):c.320C>T (p.Pro107Leu)

Gene: GLI2 (GLI family zinc finger 2; plus strand). Cytogenetic location: 2q14.2.
Variant type: single nucleotide variant.
Coding change: c.320C>T on transcript NM_001374353.1 (MANE Select); coding-DNA position 320, C replaced by T.
Protein change: p.Pro107Leu; replaces proline 107 with leucine.
Molecular consequence: missense variant. On other transcripts: 5 prime UTR variant (1).
Genome position (GRCh38, 1-based): chr2:120,951,308, C>T. VCF-style: chr2-120951308-C-T. GRCh37 (hg19) VCF-style: chr2-121708884-C-T.
Other names: c.320C>T (NM_005270.4); c.320C>T, p.Pro107Leu (NM_001371271.1, NM_005270.5); c.-56C>T (NM_001374354.1); short protein forms P107L.
Identifiers: ClinVar variation 1372746 (VCV001372746.9), dbSNP rs374562179, ClinGen allele CA1851500.

ClinVar aggregate classification (germline): Conflicting classifications of pathogenicity. Review status: criteria provided, conflicting classifications (1 of 4 stars). 3 submissions from 3 submitters: Uncertain significance (2); Likely benign (1). Last evaluated 2023-01-23.

Conditions:
Inborn genetic diseases. Identifiers: MedGen C0950123, MeSH D030342.
GLI2-related disorder. Also called: GLI2-related disorders; GLI2-related condition.
Postaxial polydactyly-anterior pituitary anomalies-facial dysmorphism syndrome. Also called: Culler-Jones syndrome. Identifiers: Orphanet 420584, MedGen C4014479, MONDO:0014369, OMIM 615849.
Holoprosencephaly 9 (HPE9). Also called: HOLOPROSENCEPHALY WITH MICROPHTHALMIA AND FIRST BRANCHIAL ARCH ANOMALIES; PITUITARY ANOMALIES WITH HOLOPROSENCEPHALY-LIKE FEATURES. Identifiers: Orphanet 2162, MedGen C1835819, MONDO:0012563, OMIM 610829.

Allele frequency attached by ClinVar (database versions not stated): ExAC 0.00002; gnomAD 0.00003 and 0.00004; gnomAD exomes 0.00004 and 0.00010; TOPMed 0.00006; ESP Exome Variant Server 0.00008.
gnomAD v4.1: 156 of 1,610,764 alleles (0.0097%); highest among the groups gnomAD compares: Non-Finnish European, 0.012%; 1 homozygote.

Submissions (3):

PreventionGenetics, part of Exact Sciences
Classification: Uncertain significance for GLI2-related condition. Last evaluated: 2023-01-23. Review status: criteria provided, single submitter. Criteria: ACMG Guidelines, 2015. Collection method: clinical testing. Allele origin: germline.
Comment: The GLI2 c.320C>T variant is predicted to result in the amino acid substitution p.Pro107Leu. To our knowledge, this variant has not been reported in the literature. This variant is reported in 0.0080% of alleles in individuals of African descent in gnomAD. At this time, the clinical significance of this variant is uncertain due to the absence of conclusive functional and genetic evidence.

Ambry Genetics
Classification: Likely benign for Inborn genetic diseases. Last evaluated: 2022-07-04. Review status: criteria provided, single submitter. Criteria: Ambry Variant Classification Scheme 2023. Collection method: clinical testing. Allele origin: germline.

Labcorp Genetics (formerly Invitae), Labcorp
Classification: Uncertain significance for Postaxial polydactyly-anterior pituitary anomalies-facial dysmorphism syndrome; Holoprosencephaly 9. Last evaluated: 2021-06-15. Review status: criteria provided, single submitter. Criteria: Invitae Variant Classification Sherloc (09022015). Collection method: clinical testing. Allele origin: germline.
Comment: This sequence change replaces proline with leucine at codon 107 of the GLI2 protein (p.Pro107Leu). The proline residue is moderately conserved and there is a moderate physicochemical difference between proline and leucine. This variant is present in population databases (rs374562179, ExAC 0.01%). This variant has not been reported in the literature in individuals with GLI2-related conditions. Algorithms developed to predict the effect of missense changes on protein structure and function are either unavailable or do not agree on the potential impact of this missense change (SIFT: "Deleterious"; PolyPhen-2: "Probably Damaging"; Align-GVGD: "Class C0"). In summary, the available evidence is currently insufficient to determine the role of this variant in disease. Therefore, it has been classified as a Variant of Uncertain Significance.